The following is an entry in ClinVar:

NM_022166.4(XYLT1):c.2352G>T (p.Trp784Cys)

Gene: XYLT1 (xylosyltransferase 1; minus strand). Cytogenetic location: 16p12.3.
Variant type: single nucleotide variant.
Coding change: c.2352G>T on transcript NM_022166.4 (MANE Select); coding-DNA position 2352, G replaced by T.
Protein change: p.Trp784Cys; replaces tryptophan 784 with cysteine.
Molecular consequence: missense variant.
Genome position (GRCh38, 1-based): chr16:17,117,851, C>A on the plus strand (G>T on the coding strand, the complement: XYLT1 is on the minus strand). VCF-style: chr16-17117851-C-A. GRCh37 (hg19) VCF-style: chr16-17211708-C-A.
Other names: short protein forms W784C.
Identifiers: ClinVar variation 1307462 (VCV001307462.2), dbSNP rs1334182510, ClinGen allele CA395218576.
Genomic context (GRCh38, chr16:17,117,851, plus strand): 5'-TTCGGCAGTGGACTCAATGAGGATGTCGTAGGTGGCTGCGATGACATTGACGGGATCCAC[C>A]CAAATGACGGTCACGGTCACATTAGGTCCCTTCCCCCACTTCTGCATACCCACCGGCTCA-3'
Protein context (NP_071449.1, residues 774-794): KGPNVTVTVI[Trp784Cys]VDPVNVIAAT

ClinVar aggregate classification (germline): Uncertain significance (1 of 4 stars; one submission).

Allele frequency attached by ClinVar (database versions not stated): gnomAD exomes below 0.00001.
gnomAD v4.1: 1 of 1,614,062 alleles (0.000062%); highest among the groups gnomAD compares: Non-Finnish European, 0.000085%; no homozygotes.

Submission:

GeneDx
Classification: Uncertain significance. Last evaluated: 2019-08-14. Review status: criteria provided, single submitter. Criteria: GeneDx Variant Classification Process June 2021. Collection method: clinical testing. Allele origin: germline. Affected: yes.
Comment: Not observed in large population cohorts (Lek et al., 2016); In silico analysis, which includes protein predictors and evolutionary conservation, supports a deleterious effect; Has not been previously published as pathogenic or benign to our knowledge